The following is an entry in ClinVar:

ClinVar aggregate classification (germline): Uncertain significance (1 of 4 stars; one submission).

Conditions:
Focal segmental glomerulosclerosis 5 (FSGS5). Identifiers: Orphanet 656, MedGen C2750475, MONDO:0013191, OMIM 613237.
Charcot-Marie-Tooth disease dominant intermediate E. Also called: CHARCOT-MARIE-TOOTH NEUROPATHY WITH FOCAL SEGMENTAL GLOMERULONEPHRITIS. Identifiers: Orphanet 93114, MedGen C4302667, MONDO:0013758, OMIM 614455.

gnomAD v4.1: 1 of 1,596,150 alleles (0.000063%); highest among the groups gnomAD compares: Non-Finnish European, 0.000085%; no homozygotes.

Submission:

Labcorp Genetics (formerly Invitae), Labcorp
Classification: Uncertain significance for Charcot-Marie-Tooth disease dominant intermediate E; Focal segmental glomerulosclerosis 5. Last evaluated: 2024-08-11. Review status: criteria provided, single submitter. Criteria: Invitae Variant Classification Sherloc (09022015). Collection method: clinical testing. Allele origin: germline.
Comment: This sequence change replaces glycine, which is neutral and non-polar, with glutamic acid, which is acidic and polar, at codon 19 of the INF2 protein (p.Gly19Glu). This variant is not present in population databases (gnomAD no frequency). This variant has not been reported in the literature in individuals affected with INF2-related conditions. Advanced modeling of protein sequence and biophysical properties (such as structural, functional, and spatial information, amino acid conservation, physicochemical variation, residue mobility, and thermodynamic stability) has been performed at Invitae for this missense variant, however the output from this modeling did not meet the statistical confidence thresholds required to predict the impact of this variant on INF2 protein function. In summary, the available evidence is currently insufficient to determine the role of this variant in disease. Therefore, it has been classified as a Variant of Uncertain Significance.

NM_022489.4(INF2):c.56G>A (p.Gly19Glu)

Gene: INF2 (inverted formin 2; plus strand). Cytogenetic location: 14q32.33.
Variant type: single nucleotide variant.
Coding change: c.56G>A on transcript NM_022489.4 (MANE Select); coding-DNA position 56, G replaced by A.
Protein change: p.Gly19Glu; replaces glycine 19 with glutamic acid.
Molecular consequence: missense variant. On other transcripts: non-coding transcript variant (1).
Genome position (GRCh38, 1-based): chr14:104,701,421, G>A. VCF-style: chr14-104701421-G-A. GRCh37 (hg19) VCF-style: chr14-105167758-G-A.
Other names: c.56G>A, p.Gly19Glu (NM_001426863.1, NM_001426864.1, NM_001426865.1 and 6 more transcripts); short protein forms G19E.
Identifiers: ClinVar variation 3753944 (VCV003753944.2).